The following is an entry in ClinVar:

ClinVar aggregate classification (germline): Uncertain significance. Review status: criteria provided, multiple submitters, no conflicts (2 of 4 stars). 2 submissions from 2 submitters: Uncertain significance (2). Last evaluated 2025-11-25.

Allele frequency attached by ClinVar (database versions not stated): gnomAD 0.00004 and 0.00005; ESP Exome Variant Server 0.00008; 1000 Genomes Project 30x 0.00016; 1000 Genomes Project 0.00020; gnomAD exomes 0.00002; TOPMed 0.00002; ExAC 0.00003.

Submissions (2):

Labcorp Genetics (formerly Invitae), Labcorp
Classification: Uncertain significance. Last evaluated: 2025-11-25. Review status: criteria provided, single submitter. Criteria: Invitae Variant Classification Sherloc (09022015). Collection method: clinical testing. Allele origin: germline.
Comment: This sequence change replaces isoleucine, which is neutral and non-polar, with threonine, which is neutral and polar, at codon 648 of the KIF20A protein (p.Ile648Thr). This variant is present in population databases (rs138029974, gnomAD 0.007%). This variant has not been reported in the literature in individuals affected with KIF20A-related conditions. ClinVar contains an entry for this variant (Variation ID: 1487715). An algorithm developed to predict the effect of missense changes on protein structure and function (PolyPhen-2) suggests that this variant is likely to be disruptive. In summary, the available evidence is currently insufficient to determine the role of this variant in disease. Therefore, it has been classified as a Variant of Uncertain Significance.

Ambry Genetics
Classification: Uncertain significance. Last evaluated: 2024-11-26. Review status: criteria provided, single submitter. Criteria: Ambry Variant Classification Scheme 2023. Collection method: clinical testing. Allele origin: germline.

NM_005733.3(KIF20A):c.1943T>C (p.Ile648Thr)

Gene: KIF20A (kinesin family member 20A; plus strand). Cytogenetic location: 5q31.2.
Variant type: single nucleotide variant.
Coding change: c.1943T>C on transcript NM_005733.3 (MANE Select); coding-DNA position 1943, T replaced by C.
Protein change: p.Ile648Thr; replaces isoleucine 648 with threonine.
Molecular consequence: missense variant.
Genome position (GRCh38, 1-based): chr5:138,185,528, T>C. VCF-style: chr5-138185528-T-C. GRCh37 (hg19) VCF-style: chr5-137521217-T-C.
Other names: c.1943T>C (NM_005733.2); short protein forms I648T.
Identifiers: ClinVar variation 1487715 (VCV001487715.7), dbSNP rs138029974, ClinGen allele CA3426770.